The following is an entry in ClinVar:

NM_000428.3(LTBP2):c.4948C>T (p.His1650Tyr)

Gene: LTBP2 (latent transforming growth factor beta binding protein 2; minus strand). Cytogenetic location: 14q24.3.
Variant type: single nucleotide variant.
Coding change: c.4948C>T on transcript NM_000428.3 (MANE Select); coding-DNA position 4948, C replaced by T.
Protein change: p.His1650Tyr; replaces histidine 1650 with tyrosine.
Molecular consequence: missense variant.
Genome position (GRCh38, 1-based): chr14:74,502,875, G>A on the plus strand (C>T on the coding strand, the complement: LTBP2 is on the minus strand). VCF-style: chr14-74502875-G-A. GRCh37 (hg19) VCF-style: chr14-74969578-G-A.
Other names: short protein forms H1650Y.
Identifiers: ClinVar variation 1384918 (VCV001384918.3), dbSNP rs755064752, ClinGen allele CA7268570.

ClinVar aggregate classification (germline): Uncertain significance (1 of 4 stars; one submission).

Allele frequency attached by ClinVar (database versions not stated): gnomAD 0.00002; gnomAD exomes 0.00009 and 0.00017; ExAC 0.00017.
gnomAD v4.1: 125 of 1,613,542 alleles (0.0077%); highest among the groups gnomAD compares: South Asian, 0.14%; 4 homozygotes.

Submission:

Labcorp Genetics (formerly Invitae), Labcorp
Classification: Uncertain significance. Last evaluated: 2021-11-22. Review status: criteria provided, single submitter. Criteria: Invitae Variant Classification Sherloc (09022015). Collection method: clinical testing. Allele origin: germline.
Comment: This sequence change replaces histidine, which is basic and polar, with tyrosine, which is neutral and polar, at codon 1650 of the LTBP2 protein (p.His1650Tyr). This variant is present in population databases (rs755064752, gnomAD 0.1%). This variant has not been reported in the literature in individuals affected with LTBP2-related conditions. Algorithms developed to predict the effect of missense changes on protein structure and function (SIFT, PolyPhen-2, Align-GVGD) all suggest that this variant is likely to be disruptive. In summary, the available evidence is currently insufficient to determine the role of this variant in disease. Therefore, it has been classified as a Variant of Uncertain Significance.